The following is an entry in ClinVar:

NM_004046.6(ATP5F1A):c.1233T>C (p.Gly411=)

Gene: ATP5F1A (ATP synthase F1 subunit alpha; minus strand). Cytogenetic location: 18q21.1.
Variant type: single nucleotide variant.
Coding change: c.1233T>C on transcript NM_004046.6 (MANE Select); coding-DNA position 1233, T replaced by C.
Protein change: p.Gly411=; no amino-acid change (glycine 411 retained).
Molecular consequence: synonymous variant.
Genome position (GRCh38, 1-based): chr18:46,086,438, A>G on the plus strand (T>C on the coding strand, the complement: ATP5F1A is on the minus strand). VCF-style: chr18-46086438-A-G. GRCh37 (hg19) VCF-style: chr18-43666404-A-G.
Other names: c.1083T>C, p.Gly361= (NM_001001935.3, NM_001257335.2); c.1233T>C, p.Gly411= (NM_001001937.2); c.1167T>C, p.Gly389= (NM_001257334.2).
Identifiers: ClinVar variation 3034292 (VCV003034292.2), dbSNP rs2512302155, ClinGen allele CA503984707.

ClinVar aggregate classification (germline): Likely benign (0 of 4 stars; one submission).

Conditions:
ATP5F1A-related disorder. Also called: ATP5F1A-related condition.

Allele frequency attached by ClinVar (database versions not stated): gnomAD exomes below 0.00001.
gnomAD v4.1: 3 of 1,614,186 alleles (0.00019%); highest among the groups gnomAD compares: Non-Finnish European, 0.00025%; no homozygotes.

Submission:

PreventionGenetics, part of Exact Sciences
Classification: Likely benign for ATP5F1A-related condition. Last evaluated: 2019-06-06. Review status: no assertion criteria provided. Collection method: clinical testing. Allele origin: germline.
Comment: This variant is classified as likely benign based on ACMG/AMP sequence variant interpretation guidelines (Richards et al. 2015 PMID: 25741868, with internal and published modifications).